The following is an entry in ClinVar:

ClinVar aggregate classification (germline): Uncertain significance (0 of 4 stars; one submission).

Conditions:
SDCCAG8-related disorder. Also called: SDCCAG8-Related Disorders; SDCCAG8-related condition.

Submission:

PreventionGenetics, part of Exact Sciences
Classification: Uncertain significance for SDCCAG8-related condition. Last evaluated: 2024-06-01. Review status: no assertion criteria provided. Collection method: clinical testing. Allele origin: germline.
Comment: The SDCCAG8 c.596G>C variant is predicted to result in the amino acid substitution p.Gly199Ala. To our knowledge, this variant has not been reported in the literature or in a large population database, indicating this variant is rare. At this time, the clinical significance of this variant is uncertain due to the absence of conclusive functional and genetic evidence.

NM_006642.5(SDCCAG8):c.596G>C (p.Gly199Ala)

Gene: SDCCAG8 (SHH signaling and ciliogenesis regulator SDCCAG8; plus strand). Cytogenetic location: 1q43.
Variant type: single nucleotide variant.
Coding change: c.596G>C on transcript NM_006642.5 (MANE Select); coding-DNA position 596, G replaced by C.
Protein change: p.Gly199Ala; replaces glycine 199 with alanine.
Molecular consequence: missense variant. On other transcripts: 5 prime UTR variant (3).
Genome position (GRCh38, 1-based): chr1:243,293,140, G>C. VCF-style: chr1-243293140-G-C. GRCh37 (hg19) VCF-style: chr1-243456442-G-C.
Other names: c.-517G>C (NM_001350246.2); c.-405G>C (NM_001350247.2); c.596G>C, p.Gly199Ala (NM_001350248.2); c.302G>C, p.Gly101Ala (NM_001350249.2); c.-778G>C (NM_001350251.2); short protein forms G101A, G199A.
Identifiers: ClinVar variation 3356953 (VCV003356953.1).